The following is an entry in ClinVar:

ClinVar aggregate classification (germline): Uncertain significance. Review status: criteria provided, multiple submitters, no conflicts (2 of 4 stars). 3 submissions from 3 submitters: Uncertain significance (3). Last evaluated 2026-02-07.

Conditions:
Inborn genetic diseases. Identifiers: MedGen C0950123, MeSH D030342.

Allele frequency attached by ClinVar (database versions not stated): TOPMed below 0.00001; ExAC 0.00003; gnomAD exomes 0.00003.

Submissions (3):

GeneDx
Classification: Uncertain significance. Last evaluated: 2026-02-07. Review status: criteria provided, single submitter. Criteria: GeneDx Variant Classification Process June 2021. Collection method: clinical testing. Allele origin: germline.
Comment: In silico analysis suggests that this missense variant does not alter protein structure/function; Has not been previously published as pathogenic or benign to our knowledge

CeGaT Center for Human Genetics Tuebingen
Classification: Uncertain significance. Last evaluated: 2023-03-01. Review status: criteria provided, single submitter. Criteria: CeGaT Center For Human Genetics Tuebingen Variant Classification Criteria Version 2. Collection method: clinical testing. Allele origin: germline. Affected: yes. Observed: 1 variant allele.

Ambry Genetics
Classification: Uncertain significance for Inborn genetic diseases. Last evaluated: 2022-07-21. Review status: criteria provided, single submitter. Criteria: Ambry Variant Classification Scheme 2023. Collection method: clinical testing. Allele origin: germline.

NM_006946.4(SPTBN2):c.5645T>C (p.Met1882Thr)

Gene: SPTBN2 (spectrin beta, non-erythrocytic 2; minus strand). Cytogenetic location: 11q13.2.
Variant type: single nucleotide variant.
Coding change: c.5645T>C on transcript NM_006946.4 (MANE Select); coding-DNA position 5645, T replaced by C.
Protein change: p.Met1882Thr; replaces methionine 1882 with threonine.
Molecular consequence: missense variant.
Genome position (GRCh38, 1-based): chr11:66,690,204, A>G on the plus strand (T>C on the coding strand, the complement: SPTBN2 is on the minus strand). VCF-style: chr11-66690204-A-G. GRCh37 (hg19) VCF-style: chr11-66457675-A-G.
Other names: c.5666T>C, p.Met1889Thr (NM_001411025.1); short protein forms M1889T, M1882T.
Identifiers: ClinVar variation 2289091 (VCV002289091.31), dbSNP rs768886276, ClinGen allele CA6128193.